The following is an entry in ClinVar:

ClinVar aggregate classification (germline): Pathogenic (1 of 4 stars; one submission).

Submission:

Labcorp Genetics (formerly Invitae), Labcorp
Classification: Pathogenic. Last evaluated: 2024-01-29. Review status: criteria provided, single submitter. Criteria: Invitae Variant Classification Sherloc (09022015). Collection method: clinical testing. Allele origin: germline.
Comment: This sequence change creates a premature translational stop signal (p.Gln820Phefs*15) in the VPS13A gene. It is expected to result in an absent or disrupted protein product. Loss-of-function variants in VPS13A are known to be pathogenic (PMID: 12404112, 21598378). This variant is not present in population databases (gnomAD no frequency). This variant has not been reported in the literature in individuals affected with VPS13A-related conditions. For these reasons, this variant has been classified as Pathogenic.

Literature cited by the submitters: PubMed 12404112; PubMed 21598378.

NM_033305.3(VPS13A):c.2458_2462del (p.Gln820fs)

Gene: VPS13A (vacuolar protein sorting 13 homolog A; plus strand). Cytogenetic location: 9q21.2.
Variant type: Deletion.
Coding change: c.2458_2462del on transcript NM_033305.3 (MANE Select); coding-DNA positions 2458 to 2462, 5 bases deleted (CAGAT; older notation c.2458_2462delCAGAT).
Protein change: p.Gln820fs; shifts the reading frame from glutamine 820.
Molecular consequence: frameshift variant.
Genome position (GRCh38, 1-based): chr9:77,273,310-77,273,314, CAGAT deleted. VCF-style (leftmost placement, unchanged base first): chr9-77273309-ACAGAT-A. GRCh37 (hg19) VCF-style: chr9-79888225-ACAGAT-A.
Other names: c.2458_2462del, p.Gln820fs (NM_001018037.2, NM_001018038.3, NM_015186.4); short protein forms Q820fs.
Identifiers: ClinVar variation 2744410 (VCV002744410.3), dbSNP rs2537803859, ClinGen allele CA2697557777.